The following is an entry in ClinVar:

ClinVar aggregate classification (germline): Uncertain significance. Review status: criteria provided, multiple submitters, no conflicts (2 of 4 stars). 6 submissions from 6 submitters: Uncertain significance (6). Last evaluated 2025-12-09.

Conditions:
Cardiomyopathy (CMYO). Also called: Cardiomyopathies. Identifiers: Orphanet 167848, MedGen C0878544, MONDO:0004994, HP:0001638. Inheritance: Various modes of inheritance.
MYH7-related disorder. Also called: MYH7-related condition; MYH7-related disease; MYH7-related disorders.
Hypertrophic cardiomyopathy. Also called: HYPERTROPHIC MYOCARDIOPATHY. Identifiers: Orphanet 217569, MedGen C0007194, MeSH D002312, MONDO:0005045, HP:0001639.
Cardiovascular phenotype. Identifiers: MedGen CN230736.

Allele frequency attached by ClinVar (database versions not stated): gnomAD 0.00002; TOPMed 0.00002.
gnomAD v4.1: 4 of 1,614,102 alleles (0.00025%); highest among the groups gnomAD compares: African/African-American, 0.004%; no homozygotes.

Submissions (6):

Labcorp Genetics (formerly Invitae), Labcorp
Classification: Uncertain significance for Hypertrophic cardiomyopathy. Last evaluated: 2025-12-09. Review status: criteria provided, single submitter. Criteria: Invitae Variant Classification Sherloc (09022015). Collection method: clinical testing. Allele origin: germline.
Comment: This sequence change replaces isoleucine, which is neutral and non-polar, with methionine, which is neutral and non-polar, at codon 1671 of the MYH7 protein (p.Ile1671Met). This variant is present in population databases (rs779978846, gnomAD 0.01%). This missense change has been observed in individual(s) with clinical features of MYH7-related conditions (internal data). ClinVar contains an entry for this variant (Variation ID: 1035824). Invitae Evidence Modeling of protein sequence and biophysical properties (such as structural, functional, and spatial information, amino acid conservation, physicochemical variation, residue mobility, and thermodynamic stability) indicates that this missense variant is not expected to disrupt MYH7 protein function with a negative predictive value of 95%. In summary, the available evidence is currently insufficient to determine the role of this variant in disease. Therefore, it has been classified as a Variant of Uncertain Significance.

PreventionGenetics, part of Exact Sciences
Classification: Uncertain significance for MYH7-related condition. Last evaluated: 2025-07-26. Review status: criteria provided, single submitter. Criteria: ACMG Guidelines, 2015. Collection method: clinical testing. Allele origin: germline.
Comment: The MYH7 c.5013C>G variant is predicted to result in the amino acid substitution p.Ile1671Met. To our knowledge, this variant has not been reported in the literature in individuals with MYH7-related disorders. This variant is reported in 0.012% of alleles in individuals of African descent in gnomAD. At this time, the clinical significance of this variant is uncertain due to the absence of conclusive functional and genetic evidence.

Color Diagnostics, LLC DBA Color Health
Classification: Uncertain significance for Cardiomyopathy. Last evaluated: 2025-07-15. Review status: criteria provided, single submitter. Criteria: ACMG Guidelines, 2015. Collection method: clinical testing. Allele origin: germline.
Comment: This missense variant replaces isoleucine with methionine at codon 1671 of the MYH7 protein. Computational prediction suggests that this variant may not impact protein structure and function. To our knowledge, functional studies have not been reported for this variant. This variant has not been reported in individuals affected with MYH7-related disorders in the literature. This variant has been identified in 3/251406 chromosomes in the general population by the Genome Aggregation Database (gnomAD). The available evidence is insufficient to determine the role of this variant in disease conclusively. Therefore, this variant is classified as a Variant of Uncertain Significance.

Ambry Genetics
Classification: Uncertain significance for Cardiovascular phenotype. Last evaluated: 2024-12-26. Review status: criteria provided, single submitter. Criteria: Ambry Variant Classification Scheme 2023. Collection method: clinical testing. Allele origin: germline.
Comment: The p.I1671M variant (also known as c.5013C>G), located in coding exon 33 of the MYH7 gene, results from a C to G substitution at nucleotide position 5013. The isoleucine at codon 1671 is replaced by methionine, an amino acid with highly similar properties. This variant was reported in individual(s) with features consistent with hypertrophic cardiomyopathy (HCM) (Kurzlechner LM et al. J Pers Med, 2022 Apr;12:[ePub ahead of print]; Ambry internal data). This amino acid position is not well conserved in available vertebrate species. In addition, this alteration is predicted to be tolerated by in silico analysis. Based on the available evidence, the clinical significance of this variant remains unclear.

Dasa
Classification: Uncertain significance. Last evaluated: 2024-10-13. Review status: criteria provided, single submitter. Criteria: DASA Assertion Criteria. Collection method: clinical testing. Allele origin: germline.
Comment: NM_000257.4(MYH7):c.5013C>G (p.Ile1671Met) is a missense variant that results in the substitution of isoleucine with methionine. This variant is rare in population databases. The currently available literature and clinical evidence are not sufficient to establish a definitive association between this variant and the reported condition. Therefore, this variant is classified as a variant of uncertain significance.

All of Us Research Program, National Institutes of Health
Classification: Uncertain significance for Cardiomyopathy. Last evaluated: 2023-06-28. Review status: criteria provided, single submitter. Criteria: ACMG Guidelines, 2015. Collection method: clinical testing. Allele origin: germline. Inheritance: Autosomal dominant inheritance. Observed: 2 variant alleles, 2 heterozygotes.
Comment: This missense variant replaces isoleucine with methionine at codon 1671 of the MYH7 protein. Computational prediction suggests that this variant may not impact protein structure and function (internally defined REVEL score threshold <= 0.5, PMID: 27666373). To our knowledge, functional studies have not been reported for this variant. This variant has not been reported in individuals affected with MYH7-related disorders in the literature. This variant has been identified in 3/251406 chromosomes in the general population by the Genome Aggregation Database (gnomAD). The available evidence is insufficient to determine the role of this variant in disease conclusively. Therefore, this variant is classified as a Variant of Uncertain Significance.

This study involves interpretation of variants in research participants for the purpose of population health screening. Participant phenotype was not available at the time of variant classification. Additional details can be found in publication PMID: 35346344, PMCID: PMC8962531

Literature cited by the submitters: PubMed 22958901 (cited by Ambry Genetics); PubMed 35629155 (cited by Ambry Genetics).

NM_000257.4(MYH7):c.5013C>G (p.Ile1671Met)

Genes: MHRT (myosin heavy chain associated RNA transcript; plus strand), MYH7 (myosin heavy chain 7; minus strand), LOC126861897 (BRD4-independent group 4 enhancer GRCh37_chr14:23884455-23885654; plus strand). Cytogenetic location: 14q11.2.
Variant type: single nucleotide variant.
Coding change: c.5013C>G on transcript NM_000257.4 (MANE Select); coding-DNA position 5013, C replaced by G.
Protein change: p.Ile1671Met; replaces isoleucine 1671 with methionine.
Molecular consequence: missense variant. On other transcripts: non-coding transcript variant (1).
Genome position (GRCh38, 1-based): chr14:23,415,773, G>C on the plus strand (C>G on the coding strand, the complement: MYH7 is on the minus strand). VCF-style: chr14-23415773-G-C. GRCh37 (hg19) VCF-style: chr14-23884982-G-C.
Other names: c.5013C>G (NM_000257.3); short protein forms I1671M.
Identifiers: ClinVar variation 1035824 (VCV001035824.12), dbSNP rs779978846, ClinGen allele CA044755.